The following is an entry in ClinVar:

NM_015338.6(ASXL1):c.1520T>A (p.Ile507Asn)

Gene: ASXL1 (ASXL transcriptional regulator 1; plus strand). Cytogenetic location: 20q11.21.
Variant type: single nucleotide variant.
Coding change: c.1520T>A on transcript NM_015338.6 (MANE Select); coding-DNA position 1520, T replaced by A.
Protein change: p.Ile507Asn; replaces isoleucine 507 with asparagine.
Molecular consequence: missense variant.
Genome position (GRCh38, 1-based): chr20:32,433,718, T>A. VCF-style: chr20-32433718-T-A. GRCh37 (hg19) VCF-style: chr20-31021521-T-A.
Other names: c.1337T>A, p.Ile446Asn (NM_001363734.1); short protein forms I446N, I507N.
Identifiers: ClinVar variation 1272597 (VCV001272597.35), dbSNP rs138971201, ClinGen allele CA9808370.

ClinVar aggregate classification (germline): Benign/Likely benign. Review status: criteria provided, multiple submitters, no conflicts (2 of 4 stars). 5 submissions from 5 submitters: Benign (3); Likely benign (2). Last evaluated 2025-12-13.

Conditions:
Bohring-Opitz syndrome. Also called: C-LIKE SYNDROME; BOHRING SYNDROME; OPITZ TRIGONOCEPHALY-LIKE SYNDROME; ASXL1-Related Bohring-Opitz Syndrome. Identifiers: Orphanet 97297, MedGen C0796232, MONDO:0011510, OMIM 605039.
Inborn genetic diseases. Identifiers: MedGen C0950123, MeSH D030342.

Allele frequency attached by ClinVar (database versions not stated): 1000 Genomes Project 30x 0.00016; gnomAD exomes 0.00019; 1000 Genomes Project 0.00020; ExAC 0.00024; gnomAD 0.00075 and 0.00079; TOPMed 0.00092; ESP Exome Variant Server 0.00108.
gnomAD v4.1: 236 of 1,613,292 alleles (0.015%); highest among the groups gnomAD compares: African/African-American, 0.31%; no homozygotes.

Submissions (5):

Labcorp Genetics (formerly Invitae), Labcorp
Classification: Likely benign. Last evaluated: 2025-12-13. Review status: criteria provided, single submitter. Criteria: Invitae Variant Classification Sherloc (09022015). Collection method: clinical testing. Allele origin: germline.

Ambry Genetics
Classification: Likely benign for Inborn genetic diseases. Last evaluated: 2024-12-18. Review status: criteria provided, single submitter. Criteria: Ambry Variant Classification Scheme 2023. Collection method: clinical testing. Allele origin: germline.

CeGaT Center for Human Genetics Tuebingen
Classification: Benign. Last evaluated: 2022-03-01. Review status: criteria provided, single submitter. Criteria: CeGaT Center For Human Genetics Tuebingen Variant Classification Criteria Version 2. Collection method: clinical testing. Allele origin: germline. Affected: yes. Observed: 1 variant allele.
Comment: ASXL1: BS1, BS2

Genome-Nilou Lab
Classification: Benign for Bohring-Opitz syndrome. Last evaluated: 2021-12-05. Review status: criteria provided, single submitter. Criteria: ACMG Guidelines, 2015. Collection method: clinical testing. Allele origin: germline. Affected: no.

GeneDx
Classification: Benign. Last evaluated: 2020-09-14. Review status: criteria provided, single submitter. Criteria: GeneDx Variant Classification Process June 2021. Collection method: clinical testing. Allele origin: germline. Affected: yes.